The following is an entry in ClinVar:

NM_001085487.3(MYSM1):c.2267A>G (p.His756Arg)

Gene: MYSM1 (Myb like, SWIRM and MPN domains 1; minus strand). Cytogenetic location: 1p32.1.
Variant type: single nucleotide variant.
Coding change: c.2267A>G on transcript NM_001085487.3 (MANE Select); coding-DNA position 2267, A replaced by G.
Protein change: p.His756Arg; replaces histidine 756 with arginine.
Molecular consequence: missense variant.
Genome position (GRCh38, 1-based): chr1:58,661,409, T>C on the plus strand (A>G on the coding strand, the complement: MYSM1 is on the minus strand). VCF-style: chr1-58661409-T-C. GRCh37 (hg19) VCF-style: chr1-59127081-T-C.
Other names: short protein forms H756R.
Identifiers: ClinVar variation 4805123 (VCV004805123.1).

ClinVar aggregate classification (germline): Uncertain significance (1 of 4 stars; one submission).

gnomAD v4.1: 2 of 1,550,684 alleles (0.00013%); highest among the groups gnomAD compares: Non-Finnish European, 0.00018%; no homozygotes.

Submission:

Labcorp Genetics (formerly Invitae), Labcorp
Classification: Uncertain significance. Last evaluated: 2025-12-26. Review status: criteria provided, single submitter. Criteria: Invitae Variant Classification Sherloc (09022015). Collection method: clinical testing. Allele origin: germline.
Comment: This sequence change replaces histidine, which is basic and polar, with arginine, which is basic and polar, at codon 756 of the MYSM1 protein (p.His756Arg). This variant is present in population databases (rs753189664, gnomAD 0.0009%). This variant has not been reported in the literature in individuals affected with MYSM1-related conditions. Invitae Evidence Modeling of protein sequence and biophysical properties (such as structural, functional, and spatial information, amino acid conservation, physicochemical variation, residue mobility, and thermodynamic stability) indicates that this missense variant is not expected to disrupt MYSM1 protein function with a negative predictive value of 80%. In summary, the available evidence is currently insufficient to determine the role of this variant in disease. Therefore, it has been classified as a Variant of Uncertain Significance.